The following is an entry in ClinVar:

ClinVar aggregate classification (germline): Uncertain significance (1 of 4 stars; one submission).

Allele frequency attached by ClinVar (database versions not stated): ExAC 0.00010; gnomAD 0.00011 and 0.00012; TOPMed 0.00011; ESP Exome Variant Server 0.00023.
gnomAD v4.1: 192 of 1,614,086 alleles (0.012%); highest among the groups gnomAD compares: Non-Finnish European, 0.016%; no homozygotes.

Submission:

Labcorp Genetics (formerly Invitae), Labcorp
Classification: Uncertain significance. Last evaluated: 2022-05-07. Review status: criteria provided, single submitter. Criteria: Invitae Variant Classification Sherloc (09022015). Collection method: clinical testing. Allele origin: germline.
Comment: This sequence change replaces valine, which is neutral and non-polar, with methionine, which is neutral and non-polar, at codon 1500 of the CAD protein (p.Val1500Met). This variant is present in population databases (rs139263367, gnomAD 0.02%). This variant has not been reported in the literature in individuals affected with CAD-related conditions. Algorithms developed to predict the effect of missense changes on protein structure and function are either unavailable or do not agree on the potential impact of this missense change (SIFT: "Deleterious"; PolyPhen-2: "Possibly Damaging"; Align-GVGD: "Class C0"). In summary, the available evidence is currently insufficient to determine the role of this variant in disease. Therefore, it has been classified as a Variant of Uncertain Significance.

NM_004341.5(CAD):c.4498G>A (p.Val1500Met)

Gene: CAD (carbamoyl-phosphate synthetase 2, aspartate transcarbamylase, and dihydroorotase; plus strand). Cytogenetic location: 2p23.3.
Variant type: single nucleotide variant.
Coding change: c.4498G>A on transcript NM_004341.5 (MANE Select); coding-DNA position 4498, G replaced by A.
Protein change: p.Val1500Met; replaces valine 1500 with methionine.
Molecular consequence: missense variant.
Genome position (GRCh38, 1-based): chr2:27,237,480, G>A. VCF-style: chr2-27237480-G-A. GRCh37 (hg19) VCF-style: chr2-27460348-G-A.
Other names: c.4309G>A, p.Val1437Met (NM_001306079.2); short protein forms V1437M, V1500M.
Identifiers: ClinVar variation 1474907 (VCV001474907.5), dbSNP rs139263367, ClinGen allele CA1573540.